The following is an entry in ClinVar:

ClinVar aggregate classification (germline): Uncertain significance (1 of 4 stars; one submission).

Conditions:
Early-onset progressive encephalopathy-hearing loss-pons hypoplasia-brain atrophy syndrome. Also called: ENCEPHALOPATHY, PROGRESSIVE, EARLY-ONSET, WITH BRAIN ATROPHY AND SPASTICITY. Identifiers: Orphanet 500144, MedGen C5567229, MONDO:0044696, OMIM 617669.

gnomAD v4.1: 19 of 1,590,838 alleles (0.0012%); highest among the groups gnomAD compares: Non-Finnish European, 0.0016%; no homozygotes.

Submission:

Dasa
Classification: Uncertain significance for Early-onset progressive encephalopathy-hearing loss-pons hypoplasia-brain atrophy syndrome. Last evaluated: 2026-02-19. Review status: criteria provided, single submitter. Criteria: DASA Assertion Criteria. Collection method: clinical testing. Allele origin: germline.
Comment: NM_016030.6(TRAPPC12):c.1145T>C (p.Val382Ala) is a missense variant that results in the substitution of valine with alanine. This variant is rare in population databases. Computational prediction algorithms are consistent with a benign effect. The currently available literature and clinical evidence are not sufficient to establish a definitive association between this variant and the reported condition. Therefore, this variant is classified as a variant of uncertain significance.

NM_016030.6(TRAPPC12):c.1145T>C (p.Val382Ala)

Gene: TRAPPC12 (trafficking protein particle complex subunit 12; plus strand). Cytogenetic location: 2p25.3.
Variant type: single nucleotide variant.
Coding change: c.1145T>C on transcript NM_016030.6 (MANE Select); coding-DNA position 1145, T replaced by C.
Protein change: p.Val382Ala; replaces valine 382 with alanine.
Molecular consequence: missense variant.
Genome position (GRCh38, 1-based): chr2:3,401,874, T>C. VCF-style: chr2-3401874-T-C. GRCh37 (hg19) VCF-style: chr2-3405645-T-C.
Other names: c.1145T>C, p.Val382Ala (NM_001321102.2); short protein forms V382A.
Identifiers: ClinVar variation 4881869 (VCV004881869.2).
Genomic context (GRCh38, chr2:3,401,874, plus strand): 5'-GTGAAAAAGCTGCAGCAAAGAGACAAGTCCTAAATGCCGACTCAGTGGAACAATCTTTTG[T>C]TGGATTGAAACAGCTAATCGTAAGTGACAATGTGTTTGATTTCAGTGTTGTTTTGTGATA-3'
Protein context (NP_057114.5, residues 372-392): LNADSVEQSF[Val382Ala]GLKQLISCRN